The following is an entry in ClinVar:

ClinVar aggregate classification (germline): Uncertain significance. Review status: criteria provided, multiple submitters, no conflicts (2 of 4 stars). 2 submissions from 2 submitters: Uncertain significance (2). Last evaluated 2022-10-17.

Conditions:
Inborn genetic diseases. Identifiers: MedGen C0950123, MeSH D030342.
Alpha-methylacyl-CoA racemase deficiency (AMACRD). Also called: AMACR deficiency. Identifiers: Orphanet 79095, MedGen C3280428, MONDO:0013681, OMIM 614307. Disease mechanism: loss of function.

Allele frequency attached by ClinVar (database versions not stated): ExAC 0.00001; gnomAD exomes 0.00002 and 0.00008; ESP Exome Variant Server 0.00008.
gnomAD v4.1: 108 of 1,614,126 alleles (0.0067%); highest among the groups gnomAD compares: Non-Finnish European, 0.0092%; no homozygotes.

Submissions (2):

Labcorp Genetics (formerly Invitae), Labcorp
Classification: Uncertain significance for Alpha-methylacyl-CoA racemase deficiency. Last evaluated: 2022-10-17. Review status: criteria provided, single submitter. Criteria: Invitae Variant Classification Sherloc (09022015). Collection method: clinical testing. Allele origin: germline.
Comment: This sequence change replaces methionine, which is neutral and non-polar, with threonine, which is neutral and polar, at codon 212 of the AMACR protein (p.Met212Thr). This variant is present in population databases (rs145475619, gnomAD 0.004%). This variant has not been reported in the literature in individuals affected with AMACR-related conditions. ClinVar contains an entry for this variant (Variation ID: 1498527). Advanced modeling of protein sequence and biophysical properties (such as structural, functional, and spatial information, amino acid conservation, physicochemical variation, residue mobility, and thermodynamic stability) performed at Invitae indicates that this missense variant is not expected to disrupt AMACR protein function. In summary, the available evidence is currently insufficient to determine the role of this variant in disease. Therefore, it has been classified as a Variant of Uncertain Significance.

Ambry Genetics
Classification: Uncertain significance for Inborn genetic diseases. Last evaluated: 2021-08-02. Review status: criteria provided, single submitter. Criteria: Ambry Variant Classification Scheme 2023. Collection method: clinical testing. Allele origin: germline.

NM_014324.6(AMACR):c.635T>C (p.Met212Thr)

Genes: AMACR (alpha-methylacyl-CoA racemase; minus strand), C1QTNF3-AMACR (C1QTNF3-AMACR readthrough (NMD candidate); minus strand). Cytogenetic location: 5p13.2.
Variant type: single nucleotide variant.
Coding change: c.635T>C on transcript NM_014324.6 (MANE Select); coding-DNA position 635, T replaced by C.
Protein change: p.Met212Thr; replaces methionine 212 with threonine.
Molecular consequence: missense variant. On other transcripts: non-coding transcript variant (1), synonymous variant (1).
Genome position (GRCh38, 1-based): chr5:33,998,745, A>G on the plus strand (T>C on the coding strand, the complement: AMACR is on the minus strand). VCF-style: chr5-33998745-A-G. GRCh37 (hg19) VCF-style: chr5-33998850-A-G.
Other names: c.635T>C (NM_014324.5); c.635T>C, p.Met212Thr (NM_001167595.2); c.474T>C, p.His158= (NM_203382.3); short protein forms M212T.
Identifiers: ClinVar variation 1498527 (VCV001498527.4), dbSNP rs145475619, ClinGen allele CA3226152.